The following is an entry in ClinVar:

NM_213599.3(ANO5):c.364-3C>A

Gene: ANO5 (anoctamin 5; plus strand). Cytogenetic location: 11p14.3.
Variant type: single nucleotide variant.
Coding change: c.364-3C>A on transcript NM_213599.3 (MANE Select); 3 bases into the intron before coding-DNA position 364, C replaced by A.
Molecular consequence: intron variant.
Genome position (GRCh38, 1-based): chr11:22,227,299, C>A. VCF-style: chr11-22227299-C-A. GRCh37 (hg19) VCF-style: chr11-22248845-C-A.
Other names: c.361-3C>A (NM_001142649.2).
Identifiers: ClinVar variation 2180723 (VCV002180723.4), dbSNP rs768376511, ClinGen allele CA5922912.

ClinVar aggregate classification (germline): Uncertain significance (1 of 4 stars; one submission).

Conditions:
Gnathodiaphyseal dysplasia (GDD). Also called: GNATHODIAPHYSEAL SCLEROSIS; OSTEOGENESIS IMPERFECTA WITH UNUSUAL SKELETAL LESIONS. Identifiers: Orphanet 53697, MedGen C1833736, MONDO:0008151, OMIM 166260.
Autosomal recessive limb-girdle muscular dystrophy type 2L (LGMDR12). Also called: Limb-girdle muscular dystrophy, type 2L; Limb-Girdle Muscular Dystrophy R12 Anoctamin-5-Related (LGMD-R12); MUSCULAR DYSTROPHY, LIMB-GIRDLE, AUTOSOMAL RECESSIVE 12. Identifiers: Orphanet 206549, MedGen C1969785, MONDO:0012652, OMIM 611307.

Allele frequency attached by ClinVar (database versions not stated): gnomAD exomes 0.00001; ExAC 0.00002.
gnomAD v4.1: 19 of 1,612,436 alleles (0.0012%); highest among the groups gnomAD compares: Admixed American, 0.01%; no homozygotes.

Submission:

Labcorp Genetics (formerly Invitae), Labcorp
Classification: Uncertain significance for Autosomal recessive limb-girdle muscular dystrophy type 2L; Gnathodiaphyseal dysplasia. Last evaluated: 2025-08-21. Review status: criteria provided, single submitter. Criteria: Invitae Variant Classification Sherloc (09022015). Collection method: clinical testing. Allele origin: germline.
Comment: This sequence change falls in intron 6 of the ANO5 gene. It does not directly change the encoded amino acid sequence of the ANO5 protein. It affects a nucleotide within the consensus splice site. This variant is present in population databases (rs768376511, gnomAD 0.02%). This variant has not been reported in the literature in individuals affected with ANO5-related conditions. ClinVar contains an entry for this variant (Variation ID: 2180723). Variants that disrupt the consensus splice site are a relatively common cause of aberrant splicing (PMID: 17576681, 9536098). Algorithms developed to predict the effect of sequence changes on RNA splicing suggest that this variant is not likely to affect RNA splicing. In summary, the available evidence is currently insufficient to determine the role of this variant in disease. Therefore, it has been classified as a Variant of Uncertain Significance.

Literature cited by the submitters: PubMed 17576681; PubMed 9536098.